The following is an entry in ClinVar:

ClinVar aggregate classification (germline): Conflicting classifications of pathogenicity. Review status: criteria provided, conflicting classifications (1 of 4 stars). 2 submissions from 2 submitters: Uncertain significance (1); Likely benign (1). Last evaluated 2025-09-15.

Conditions:
Inborn genetic diseases. Identifiers: MedGen C0950123, MeSH D030342.

Allele frequency attached by ClinVar (database versions not stated): TOPMed below 0.00001.

Submissions (2):

Labcorp Genetics (formerly Invitae), Labcorp
Classification: Uncertain significance. Last evaluated: 2025-09-15. Review status: criteria provided, single submitter. Criteria: Invitae Variant Classification Sherloc (09022015). Collection method: clinical testing. Allele origin: germline.
Comment: This sequence change replaces proline, which is neutral and non-polar, with serine, which is neutral and polar, at codon 900 of the VARS2 protein (p.Pro900Ser). The frequency data for this variant in the population databases is considered unreliable, as metrics indicate poor data quality at this position in the gnomAD database. This variant has not been reported in the literature in individuals affected with VARS2-related conditions. ClinVar contains an entry for this variant (Variation ID: 1942726). Invitae Evidence Modeling of protein sequence and biophysical properties (such as structural, functional, and spatial information, amino acid conservation, physicochemical variation, residue mobility, and thermodynamic stability) indicates that this missense variant is not expected to disrupt VARS2 protein function with a negative predictive value of 80%. In summary, the available evidence is currently insufficient to determine the role of this variant in disease. Therefore, it has been classified as a Variant of Uncertain Significance.

Ambry Genetics
Classification: Likely benign for Inborn genetic diseases. Last evaluated: 2024-03-23. Review status: criteria provided, single submitter. Criteria: Ambry Variant Classification Scheme 2023. Collection method: clinical testing. Allele origin: germline.

NM_020442.6(VARS2):c.2608C>T (p.Pro870Ser)

Gene: VARS2 (valyl-tRNA synthetase 2, mitochondrial; plus strand). Cytogenetic location: 6p21.33.
Variant type: single nucleotide variant.
Coding change: c.2608C>T on transcript NM_020442.6 (MANE Select); coding-DNA position 2608, C replaced by T.
Protein change: p.Pro870Ser; replaces proline 870 with serine.
Molecular consequence: missense variant.
Genome position (GRCh38, 1-based): chr6:30,924,495, C>T. VCF-style: chr6-30924495-C-T. GRCh37 (hg19) VCF-style: chr6-30892272-C-T.
Other names: c.2698C>T (NM_001167734.1); c.2188C>T, p.Pro730Ser (NM_001167733.3); c.2698C>T, p.Pro900Ser (NM_001167734.2); short protein forms P870S, P730S, P900S.
Identifiers: ClinVar variation 1942726 (VCV001942726.6), dbSNP rs1356501558, ClinGen allele CA363177147.